The following is an entry in ClinVar:

ClinVar aggregate classification (germline): Likely pathogenic (1 of 4 stars; one submission).

Conditions:
Inborn genetic diseases. Identifiers: MedGen C0950123, MeSH D030342.

Submission:

Ambry Genetics
Classification: Likely pathogenic for Inborn genetic diseases. Last evaluated: 2025-09-05. Review status: criteria provided, single submitter. Criteria: Ambry Variant Classification Scheme 2023. Collection method: clinical testing. Allele origin: germline.
Comment: The c.6342delT (p.D2114Efs*6) alteration, located in exon 43 (coding exon 40) of the UNC79 gene, consists of a deletion of one nucleotide at position 6342, causing a translational frameshift with a predicted alternate stop codon after 6 amino acids. Loss-of-function variants are expected to result in loss of function by premature protein truncation or nonsense-mediated mRNA decay. However, in silico splice site analysis predicts that this alteration may weaken the native splice acceptor site. The exact functional effect of this variant is unknown. This variant was not reported in population-based cohorts in the Genome Aggregation Database (gnomAD). Based on the available evidence, this alteration is classified as likely pathogenic.

NM_001395159.1(UNC79):c.7089del (p.Asp2363fs)

Gene: UNC79 (unc-79 subunit of NALCN channel complex; plus strand). Cytogenetic location: 14q32.12.
Variant type: Deletion.
Coding change: c.7089del on transcript NM_001395159.1 (MANE Select); coding-DNA position 7089, one base deleted (T; older notation c.7089delT).
Protein change: p.Asp2363fs; shifts the reading frame from aspartic acid 2363.
Molecular consequence: frameshift variant.
Genome position (GRCh38, 1-based): chr14:93,682,631, T deleted. VCF-style (leftmost placement, unchanged base first): chr14-93682630-AT-A. GRCh37 (hg19) VCF-style: chr14-94148976-AT-A.
Other names: c.7023del, p.Asp2341fs (NM_001346218.2); c.6342del, p.Asp2114fs (NM_020818.5); short protein forms D2114fs, D2363fs, D2341fs.
Identifiers: ClinVar variation 4196313 (VCV004196313.1).
Genomic context (GRCh38, chr14:93,682,630, plus strand): 5'-ATGTCCAGATACCCTTAAAAATAATTATCCTTTCACTTTTTTATTAGTTTATTTGTGCAG[AT>A]GCTGGAACCAAACTAGCTGAGTCAACAATCCTGAGCAAGCAGATGATAGCCTCTGTACCT-3'